The following is an entry in ClinVar:

NM_001037.5(SCN1B):c.591-3C>T

Gene: SCN1B (sodium voltage-gated channel beta subunit 1; plus strand). Cytogenetic location: 19q13.11.
Variant type: single nucleotide variant.
Coding change: c.591-3C>T on transcript NM_001037.5 (MANE Select); 3 bases into the intron before coding-DNA position 591, C replaced by T.
Molecular consequence: intron variant.
Genome position (GRCh38, 1-based): chr19:35,039,632, C>T. VCF-style: chr19-35039632-C-T. GRCh37 (hg19) VCF-style: chr19-35530536-C-T.
Other names: c.492-3C>T (NM_001321605.2).
Identifiers: ClinVar variation 1360148 (VCV001360148.6), dbSNP rs2151749033, ClinGen allele CA2573156241.

ClinVar aggregate classification (germline): Uncertain significance (1 of 4 stars; one submission).

Conditions:
Brugada syndrome 5 (BRGDA5). Identifiers: Orphanet 130, Orphanet 871, MedGen C2748541, MONDO:0013015, OMIM 612838.

Submission:

Labcorp Genetics (formerly Invitae), Labcorp
Classification: Uncertain significance for Brugada syndrome 5. Last evaluated: 2021-07-24. Review status: criteria provided, single submitter. Criteria: Invitae Variant Classification Sherloc (09022015). Collection method: clinical testing. Allele origin: germline.
Comment: This sequence change falls in intron 4 of the SCN1B gene. It does not directly change the encoded amino acid sequence of the SCN1B protein. It affects a nucleotide within the consensus splice site of the intron. The SCN1B gene has multiple clinically relevant transcripts. This variant occurs in alternate transcript NM_001037.4, and corresponds to NM_199037.3:c.*5534C>T in the primary transcript. In summary, the available evidence is currently insufficient to determine the role of this variant in disease. Therefore, it has been classified as a Variant of Uncertain Significance. Variants that disrupts the consensus splice site are a relatively common cause of aberrant splicing (PMID: 17576681, 9536098). Algorithms developed to predict the effect of sequence changes on RNA splicing suggest that this variant is not likely to affect RNA splicing. This variant has not been reported in the literature in individuals affected with SCN1B-related conditions. This variant is not present in population databases (ExAC no frequency).

Literature cited by the submitters: PubMed 17576681; PubMed 9536098.